The following is an entry in ClinVar:

ClinVar aggregate classification (germline): Uncertain significance (1 of 4 stars; one submission).

Conditions:
Hereditary cancer-predisposing syndrome. Also called: Neoplastic Syndromes, Hereditary; Tumor predisposition; Hereditary Cancer Syndrome; Hereditary neoplastic syndrome. Identifiers: Orphanet 140162, MedGen C0027672, MeSH D009386, MONDO:0015356.

Submission:

Ambry Genetics
Classification: Uncertain significance for Hereditary cancer-predisposing syndrome. Last evaluated: 2026-03-31. Review status: criteria provided, single submitter. Criteria: Ambry Variant Classification Scheme 2023. Collection method: clinical testing. Allele origin: germline.
Comment: The p.H36N variant (also known as c.106C>A), located in coding exon 1 of the BARD1 gene, results from a C to A substitution at nucleotide position 106. The histidine at codon 36 is replaced by asparagine, an amino acid with similar properties. This amino acid position is conserved. In addition, this alteration is predicted to be tolerated by in silico analysis. Based on the available evidence, the clinical significance of this variant remains unclear.

NM_000465.4(BARD1):c.106C>A (p.His36Asn)

Gene: BARD1 (BRCA1 associated RING domain 1; minus strand). Cytogenetic location: 2q35.
Variant type: single nucleotide variant.
Coding change: c.106C>A on transcript NM_000465.4 (MANE Select); coding-DNA position 106, C replaced by A.
Protein change: p.His36Asn; replaces histidine 36 with asparagine.
Molecular consequence: missense variant. On other transcripts: non-coding transcript variant (3).
Genome position (GRCh38, 1-based): chr2:214,809,464, G>T on the plus strand (C>A on the coding strand, the complement: BARD1 is on the minus strand). VCF-style: chr2-214809464-G-T. GRCh37 (hg19) VCF-style: chr2-215674188-G-T.
Other names: c.106C>A, p.His36Asn (NM_001282543.2, NM_001282545.2, NM_001282548.2 and 1 more transcripts); short protein forms H36N.
Identifiers: ClinVar variation 4867389 (VCV004867389.1).